The following is an entry in ClinVar:

ClinVar aggregate classification (germline): Pathogenic (1 of 4 stars; one submission).

Submission:

GeneDx
Classification: Pathogenic. Last evaluated: 2024-04-16. Review status: criteria provided, single submitter. Criteria: GeneDx Variant Classification Process June 2021. Collection method: clinical testing. Allele origin: germline. Affected: yes.
Comment: Frameshift variant predicted to result in protein truncation or nonsense mediated decay in a gene for which loss-of-function is a known mechanism of disease; Not observed at significant frequency in large population cohorts (gnomAD); Has not been previously published as pathogenic or benign to our knowledge

NM_001127222.2(CACNA1A):c.5248del (p.Arg1750fs)

Gene: CACNA1A (calcium voltage-gated channel subunit alpha1 A; minus strand). Cytogenetic location: 19p13.13.
Variant type: Deletion.
Coding change: c.5248del on transcript NM_001127222.2 (MANE Select); coding-DNA position 5248, one base deleted (C; older notation c.5248delC).
Protein change: p.Arg1750fs; shifts the reading frame from arginine 1750.
Molecular consequence: frameshift variant.
Genome position (GRCh38, 1-based): chr19:13,234,922, G deleted on the plus strand (C on the coding strand, the reverse complement: CACNA1A is on the minus strand); the first of 2 consecutive G bases (chr19:13,234,922-13,234,923); deleting either gives the same sequence. VCF-style (leftmost placement, unchanged base first): chr19-13234921-CG-C. GRCh37 (hg19) VCF-style: chr19-13345735-CG-C.
Other names: c.5266del, p.Arg1756fs (NM_000068.4, NM_023035.3); c.5250delC, p.Arg1751Glyfs (NM_001127221.1); c.5251del, p.Arg1751fs (NM_001127221.2); c.5257del, p.Arg1753fs (NM_001174080.2); short protein forms R1750fs, R1751fs, R1753fs, R1756fs.
Identifiers: ClinVar variation 3365032 (VCV003365032.1).
Genomic context (GRCh38, chr19:13,234,921, plus strand): 5'-GATGAAGGCAGGCACCCCACCCCACGGAAACAGAATTATCAGAGCAGGTCCCCTTCTCAC[CG>C]GAAGAGAAGCATGAGGGCCTGGAAGAAGGTCCGGAAGTTATTGTGCTCAGTGATTTGGAA-3'